The following is an entry in ClinVar:

NM_004714.3(DYRK1B):c.1675C>T (p.Pro559Ser)

Gene: DYRK1B (dual specificity tyrosine phosphorylation regulated kinase 1B; minus strand). Cytogenetic location: 19q13.2.
Variant type: single nucleotide variant.
Coding change: c.1675C>T on transcript NM_004714.3 (MANE Select); coding-DNA position 1675, C replaced by T.
Protein change: p.Pro559Ser; replaces proline 559 with serine.
Molecular consequence: missense variant.
Genome position (GRCh38, 1-based): chr19:39,825,930, G>A on the plus strand (C>T on the coding strand, the complement: DYRK1B is on the minus strand). VCF-style: chr19-39825930-G-A. GRCh37 (hg19) VCF-style: chr19-40316570-G-A.
Other names: c.1555C>T, p.Pro519Ser (NM_006483.3); c.1591C>T, p.Pro531Ser (NM_006484.3); short protein forms P519S, P531S, P559S.
Identifiers: ClinVar variation 3350656 (VCV003350656.1).

ClinVar aggregate classification (germline): Uncertain significance (0 of 4 stars; one submission).

Conditions:
DYRK1B-related disorder. Also called: DYRK1B-related condition.

gnomAD v4.1: 4 of 1,545,264 alleles (0.00026%); highest among the groups gnomAD compares: African/African-American, 0.0055%; no homozygotes.

Submission:

PreventionGenetics, part of Exact Sciences
Classification: Uncertain significance for DYRK1B-related condition. Last evaluated: 2023-12-14. Review status: no assertion criteria provided. Collection method: clinical testing. Allele origin: germline.
Comment: The DYRK1B c.1675C>T variant is predicted to result in the amino acid substitution p.Pro559Ser. To our knowledge, this variant has not been reported in the literature. This variant is reported in 0.0088% of alleles in individuals of African descent in gnomAD. At this time, the clinical significance of this variant is uncertain due to the absence of conclusive functional and genetic evidence.